The following is an entry in ClinVar:

ClinVar aggregate classification (germline): Pathogenic (1 of 4 stars; one submission).

Conditions:
Bosch-Boonstra-Schaaf optic atrophy syndrome (BBSOAS). Also called: NR2F1-Related Neurodevelopmental Disorder. Identifiers: Orphanet 401777, MedGen C3810363, MONDO:0014320, OMIM 615722.

Submission:

Centre for Mendelian Genomics, University Medical Centre Ljubljana
Classification: Pathogenic for Bosch-Boonstra-Schaaf optic atrophy syndrome. Last evaluated: 2020-03-10. Review status: criteria provided, single submitter. Criteria: ACMG Guidelines, 2015. Collection method: clinical testing. Allele origin: unknown. Affected: yes.
Comment: This variant was classified as: Pathogenic. The following ACMG criteria were applied in classifying this variant: PVS1,PS2_Sup,PM2.

NM_005654.6(NR2F1):c.120del (p.Gln40fs)

Genes: NR2F1 (nuclear receptor subfamily 2 group F member 1; plus strand), NR2F1-AS1 (NR2F1 regulatory antisense RNA 1; minus strand). Cytogenetic location: 5q15.
Variant type: Deletion.
Coding change: c.120del on transcript NM_005654.6 (MANE Select); coding-DNA position 120, one base deleted (G; older notation c.120delG).
Protein change: p.Gln40fs; shifts the reading frame from glutamine 40.
Molecular consequence: frameshift variant.
Genome position (GRCh38, 1-based): chr5:93,585,143, G deleted. VCF-style (leftmost placement, unchanged base first): chr5-93585142-AG-A. GRCh37 (hg19) VCF-style: chr5-92920848-AG-A.
Other names: short protein forms Q40fs.
Identifiers: ClinVar variation 930895 (VCV000930895.3), dbSNP rs1753206907, ClinGen allele CA1139658967.
Genomic context (GRCh38, chr5:93,585,142, plus strand): 5'-CCGGCGGCCCCAACCCCGCAGCGCAGGCGGCCCGCGGCGGCGGCGGCGGCGCCGGCGAGC[AG>A]CAGCAGCAGGCGGGCTCGGGCGCGCCGCACACGCCGCAGACCCCGGGCCAGCCCGGAGCG-3'